The following is an entry in ClinVar:

NM_000548.5(TSC2):c.3634C>G (p.Leu1212Val)

Gene: TSC2 (TSC complex subunit 2; plus strand). Cytogenetic location: 16p13.3.
Variant type: single nucleotide variant.
Coding change: c.3634C>G on transcript NM_000548.5 (MANE Select); coding-DNA position 3634, C replaced by G.
Protein change: p.Leu1212Val; replaces leucine 1212 with valine.
Molecular consequence: missense variant.
Genome position (GRCh38, 1-based): chr16:2,081,618, C>G. VCF-style: chr16-2081618-C-G. GRCh37 (hg19) VCF-style: chr16-2131619-C-G.
Other names: c.3502C>G, p.Leu1168Val (NM_001077183.3, NM_001370404.1); c.3634C>G, p.Leu1212Val (NM_001114382.3); c.3394C>G, p.Leu1132Val (NM_001318827.2); c.3358C>G, p.Leu1120Val (NM_001318829.2); c.2902C>G, p.Leu968Val (NM_001318831.2); c.3535C>G, p.Leu1179Val (NM_001318832.2); c.3505C>G, p.Leu1169Val (NM_001363528.2, NM_001370405.1, NM_021055.3); short protein forms L1120V, L1132V, L1168V, L1169V, L1179V, L1212V, L968V.
Identifiers: ClinVar variation 1008888 (VCV001008888.8), dbSNP rs1358537146, ClinGen allele CA394291757.

ClinVar aggregate classification (germline): Uncertain significance (1 of 4 stars; one submission).

Conditions:
Tuberous sclerosis 2 (TSC2). Identifiers: Orphanet 805, MedGen C1860707, MONDO:0013199, OMIM 613254.

Submission:

Labcorp Genetics (formerly Invitae), Labcorp
Classification: Uncertain significance for Tuberous sclerosis 2. Last evaluated: 2022-07-26. Review status: criteria provided, single submitter. Criteria: Invitae Variant Classification Sherloc (09022015). Collection method: clinical testing. Allele origin: germline.
Comment: Advanced modeling of protein sequence and biophysical properties (such as structural, functional, and spatial information, amino acid conservation, physicochemical variation, residue mobility, and thermodynamic stability) performed at Invitae indicates that this missense variant is not expected to disrupt TSC2 protein function. In summary, the available evidence is currently insufficient to determine the role of this variant in disease. Therefore, it has been classified as a Variant of Uncertain Significance. This variant is not present in population databases (gnomAD no frequency). This variant has not been reported in the literature in individuals affected with TSC2-related conditions. ClinVar contains an entry for this variant (Variation ID: 1008888). This sequence change replaces leucine, which is neutral and non-polar, with valine, which is neutral and non-polar, at codon 1212 of the TSC2 protein (p.Leu1212Val).